The following is an entry in ClinVar:

ClinVar aggregate classification (germline): Likely benign. Review status: criteria provided, single submitter (1 of 4 stars). 2 submissions from 2 submitters: Likely benign (1). 1 of the submissions does not count toward it. Last evaluated 2025-01-20.

Conditions:
PALLD-related disorder. Also called: PALLD-related condition.
Pancreatic adenocarcinoma. Identifiers: MedGen C0281361, MONDO:0006047, HP:0006725.

Allele frequency attached by ClinVar (database versions not stated): ESP Exome Variant Server 0.00016; gnomAD 0.00001; TOPMed 0.00001; gnomAD exomes 0.00002 and 0.00004; ExAC 0.00002.

Submissions (2):

Labcorp Genetics (formerly Invitae), Labcorp
Classification: Likely benign for Pancreatic adenocarcinoma. Last evaluated: 2025-01-20. Review status: criteria provided, single submitter. Criteria: Invitae Variant Classification Sherloc (09022015). Collection method: clinical testing. Allele origin: germline.

PreventionGenetics, part of Exact Sciences
Classification: Likely benign for PALLD-related condition. Last evaluated: 2023-01-19. Review status: no assertion criteria provided. Collection method: clinical testing. Allele origin: germline. Not counted in ClinVar's aggregate classification.
Comment: This variant is classified as likely benign based on ACMG/AMP sequence variant interpretation guidelines (Richards et al. 2015 PMID: 25741868, with internal and published modifications).

NM_001166108.2(PALLD):c.1965-9dup

Gene: PALLD (palladin, cytoskeletal associated protein; plus strand). Cytogenetic location: 4q32.3.
Variant type: Duplication.
Coding change: c.1965-9dup on transcript NM_001166108.2 (MANE Select); 9 bases into the intron before coding-DNA position 1965, one base duplicated (A; older notation c.1965-9dupA).
Molecular consequence: intron variant.
Genome position (GRCh38, 1-based): chr4:168,890,913, A duplicated. VCF-style (leftmost placement, unchanged base first): chr4-168890912-T-TA. GRCh37 (hg19) VCF-style: chr4-169812063-T-TA.
Other names: c.1965-9dupA (NM_016081.3); c.1965-9dup (NM_016081.4); c.819-9dup (NM_001166109.2); c.504-9dup (NM_001166110.2); c.-157-9dup (NM_001367570.1, NM_001367568.1, NM_001367567.1 and 1 more transcripts).
Identifiers: ClinVar variation 215808 (VCV000215808.12), dbSNP rs769161509, ClinGen allele CA338153.